The following is an entry in ClinVar:

ClinVar aggregate classification (germline): Likely benign. Review status: criteria provided, multiple submitters, no conflicts (2 of 4 stars). 2 submissions from 2 submitters: Likely benign (2). Last evaluated 2026-08-04.

Conditions:
RHO-related disorder. Also called: RHO-related condition.

Allele frequency attached by ClinVar (database versions not stated): gnomAD exomes below 0.00001; ExAC 0.00001.
gnomAD v4.1: 8 of 1,614,008 alleles (0.0005%); highest among the groups gnomAD compares: South Asian, 0.0011%; no homozygotes.

Submissions (2):

PreventionGenetics, part of Exact Sciences
Classification: Likely benign for RHO-related condition. Last evaluated: 2026-08-04. Review status: criteria provided, single submitter. Criteria: ACMG Guidelines, 2015. Collection method: clinical testing. Allele origin: germline.
Comment: This variant is classified as likely benign based on ACMG/AMP sequence variant interpretation guidelines (Richards et al. 2015 PMID: 25741868, with internal and published modifications).

Labcorp Genetics (formerly Invitae), Labcorp
Classification: Likely benign. Last evaluated: 2024-12-02. Review status: criteria provided, single submitter. Criteria: Invitae Variant Classification Sherloc (09022015). Collection method: clinical testing. Allele origin: germline.

NM_000539.3(RHO):c.579G>A (p.Thr193=)

Gene: RHO (rhodopsin; plus strand). Cytogenetic location: 3q22.1.
Variant type: single nucleotide variant.
Coding change: c.579G>A on transcript NM_000539.3 (MANE Select); coding-DNA position 579, G replaced by A.
Protein change: p.Thr193=; no amino-acid change (threonine 193 retained).
Molecular consequence: synonymous variant.
Genome position (GRCh38, 1-based): chr3:129,532,299, G>A. VCF-style: chr3-129532299-G-A. GRCh37 (hg19) VCF-style: chr3-129251142-G-A.
Identifiers: ClinVar variation 1529974 (VCV001529974.9), dbSNP rs755674549, ClinGen allele CA2607211.